The following is an entry in ClinVar:

NM_001369.3(DNAH5):c.8875G>T (p.Gly2959Ter)

Gene: DNAH5 (dynein axonemal heavy chain 5; minus strand). Cytogenetic location: 5p15.2.
Variant type: single nucleotide variant.
Coding change: c.8875G>T on transcript NM_001369.3 (MANE Select); coding-DNA position 8875, G replaced by T.
Protein change: p.Gly2959Ter; replaces glycine 2959 with a stop codon.
Molecular consequence: nonsense.
Genome position (GRCh38, 1-based): chr5:13,780,905, C>A on the plus strand (G>T on the coding strand, the complement: DNAH5 is on the minus strand). VCF-style: chr5-13780905-C-A. GRCh37 (hg19) VCF-style: chr5-13781014-C-A.
Other names: short protein forms G2959*.
Identifiers: ClinVar variation 2810917 (VCV002810917.3), dbSNP rs147443285, ClinGen allele CA359212827.

ClinVar aggregate classification (germline): Pathogenic (1 of 4 stars; one submission).

Conditions:
Primary ciliary dyskinesia. Also called: Ciliary dyskinesia. Identifiers: Orphanet 244, MedGen C0008780, MONDO:0016575, HP:0012265.

Submission:

Labcorp Genetics (formerly Invitae), Labcorp
Classification: Pathogenic for Primary ciliary dyskinesia. Last evaluated: 2023-04-28. Review status: criteria provided, single submitter. Criteria: Invitae Variant Classification Sherloc (09022015). Collection method: clinical testing. Allele origin: germline.
Comment: For these reasons, this variant has been classified as Pathogenic. This variant has not been reported in the literature in individuals affected with DNAH5-related conditions. This sequence change creates a premature translational stop signal (p.Gly2959*) in the DNAH5 gene. It is expected to result in an absent or disrupted protein product. Loss-of-function variants in DNAH5 are known to be pathogenic (PMID: 11788826, 16627867). This variant is not present in population databases (gnomAD no frequency).

Literature cited by the submitters: PubMed 11788826; PubMed 16627867.